The following is an entry in ClinVar:

ClinVar aggregate classification (germline): Pathogenic (1 of 4 stars; one submission).

Submission:

GeneDx
Classification: Pathogenic. Last evaluated: 2022-12-19. Review status: criteria provided, single submitter. Criteria: GeneDx Variant Classification Process June 2021. Collection method: clinical testing. Allele origin: germline. Affected: yes.
Comment: Observed in two affected individuals from the same family with junctional epidermolysis bullosa and pyloric atresia who also possessed a second variant in the ITGB4 gene (Nanda et al., 2018); Frameshift variant predicted to result in protein truncation or nonsense mediated decay in a gene for which loss of function is a known mechanism of disease; Not observed at significant frequency in large population cohorts (gnomAD); This variant is associated with the following publications: (PMID: 30011071)

NM_000213.5(ITGB4):c.1234dup (p.Leu412fs)

Gene: ITGB4 (integrin subunit beta 4; plus strand). Cytogenetic location: 17q25.1.
Variant type: Duplication.
Coding change: c.1234dup on transcript NM_000213.5 (MANE Select); coding-DNA position 1234, one base duplicated (C; older notation c.1234dupC).
Protein change: p.Leu412fs; shifts the reading frame from leucine 412.
Molecular consequence: frameshift variant.
Genome position (GRCh38, 1-based): chr17:75,731,830, C duplicated. VCF-style (leftmost placement, unchanged base first): chr17-75731829-G-GC. GRCh37 (hg19) VCF-style: chr17-73727910-G-GC.
Other names: c.1234dup, p.Leu412Profs (NM_001005619.2); c.1234dup, p.Leu412fs (NM_001005731.3, NM_001321123.2); short protein forms L412fs.
Identifiers: ClinVar variation 2505622 (VCV002505622.1), dbSNP rs2545747164, ClinGen allele CA2580613250.